The following is an entry in ClinVar:

NM_003803.4(MYOM1):c.656A>G (p.Gln219Arg)

Gene: MYOM1 (myomesin 1; minus strand). Cytogenetic location: 18p11.31.
Variant type: single nucleotide variant.
Coding change: c.656A>G on transcript NM_003803.4 (MANE Select); coding-DNA position 656, A replaced by G.
Protein change: p.Gln219Arg; replaces glutamine 219 with arginine.
Molecular consequence: missense variant.
Genome position (GRCh38, 1-based): chr18:3,188,863, T>C on the plus strand (A>G on the coding strand, the complement: MYOM1 is on the minus strand). VCF-style: chr18-3188863-T-C. GRCh37 (hg19) VCF-style: chr18-3188861-T-C.
Other names: c.656A>G, p.Gln219Arg (NM_019856.2); short protein forms Q219R.
Identifiers: ClinVar variation 3664290 (VCV003664290.2).

ClinVar aggregate classification (germline): Uncertain significance (1 of 4 stars; one submission).

Conditions:
Hypertrophic cardiomyopathy. Also called: HYPERTROPHIC MYOCARDIOPATHY. Identifiers: Orphanet 217569, MedGen C0007194, MeSH D002312, MONDO:0005045, HP:0001639.

Submission:

Labcorp Genetics (formerly Invitae), Labcorp
Classification: Uncertain significance for Hypertrophic cardiomyopathy. Last evaluated: 2025-09-24. Review status: criteria provided, single submitter. Criteria: Invitae Variant Classification Sherloc (09022015). Collection method: clinical testing. Allele origin: germline.
Comment: This sequence change replaces glutamine, which is neutral and polar, with arginine, which is basic and polar, at codon 219 of the MYOM1 protein (p.Gln219Arg). This variant is not present in population databases (gnomAD no frequency). This variant has not been reported in the literature in individuals affected with MYOM1-related conditions. ClinVar contains an entry for this variant (Variation ID: 3664290). An algorithm developed to predict the effect of missense changes on protein structure and function (PolyPhen-2) suggests that this variant is likely to be tolerated. In summary, the available evidence is currently insufficient to determine the role of this variant in disease. Therefore, it has been classified as a Variant of Uncertain Significance.